The following is an entry in ClinVar:

NM_005359.6(SMAD4):c.668-11T>G

Gene: SMAD4 (SMAD family member 4; plus strand). Cytogenetic location: 18q21.2.
Variant type: single nucleotide variant.
Coding change: c.668-11T>G on transcript NM_005359.6 (MANE Select); 11 bases into the intron before coding-DNA position 668, T replaced by G.
Molecular consequence: intron variant.
Genome position (GRCh38, 1-based): chr18:51,058,114, T>G. VCF-style: chr18-51058114-T-G. GRCh37 (hg19) VCF-style: chr18-48584484-T-G.
Identifiers: ClinVar variation 492487 (VCV000492487.11), dbSNP rs1469889617, ClinGen allele CA658684190.
Genomic context (GRCh38, chr18:51,058,114, plus strand): 5'-TTCATTTAGTATATGAAATCATAAGATGACATCTATGAATGTACCATGTTAATGTCTTCT[T>G]GTTCCTCTAGGTCAGCCTGCCAGTATACTGGGGGGCAGCCATAGTGAAGGACTGTTGCAG-3'

ClinVar aggregate classification (germline): Likely benign. Review status: criteria provided, multiple submitters, no conflicts (2 of 4 stars). 4 submissions from 4 submitters: Likely benign (4). Last evaluated 2025-07-17.

Conditions:
Juvenile polyposis syndrome (JPS). Identifiers: Orphanet 2929, MedGen C0345893, MONDO:0017380, OMIM 174900.
Hereditary cancer-predisposing syndrome. Also called: Hereditary neoplastic syndrome; Tumor predisposition; Neoplastic Syndromes, Hereditary; Hereditary Cancer Syndrome. Identifiers: Orphanet 140162, MedGen C0027672, MeSH D009386, MONDO:0015356.
Juvenile polyposis/hereditary hemorrhagic telangiectasia syndrome (JPHT). Also called: Juvenile Polyposis Syndrome / Hereditary Hemorrhagic Telangiectasia (JPS/HHT); JP/HHT SYNDROME; JUVENILE POLYPOSIS WITH HEREDITARY HEMORRHAGIC TELANGIECTASIA; POLYPOSIS, GENERALIZED JUVENILE, WITH PULMONARY ARTERIOVENOUS MALFORMATION; TELANGIECTASIA, HEREDITARY HEMORRHAGIC, WITH JUVENILE POLYPOSIS COLI. Identifiers: Orphanet 2929, MedGen C1832942, MONDO:0008278, OMIM 175050.

Allele frequency attached by ClinVar (database versions not stated): TOPMed below 0.00001; gnomAD 0.00001.
gnomAD v4.1: 1 of 1,611,012 alleles (0.000062%); highest among the groups gnomAD compares: Non-Finnish European, 0.000085%; no homozygotes.

Submissions (4):

Labcorp Genetics (formerly Invitae), Labcorp
Classification: Likely benign for Juvenile polyposis syndrome. Last evaluated: 2025-07-17. Review status: criteria provided, single submitter. Criteria: Invitae Variant Classification Sherloc (09022015). Collection method: clinical testing. Allele origin: germline.

All of Us Research Program, National Institutes of Health
Classification: Likely benign for Juvenile polyposis/hereditary hemorrhagic telangiectasia syndrome. Last evaluated: 2023-02-24. Review status: criteria provided, single submitter. Criteria: ACMG Guidelines, 2015. Collection method: clinical testing. Allele origin: germline. Inheritance: Autosomal dominant inheritance. Observed: 1 variant allele, 1 heterozygote.
Comment: This study involves interpretation of variants in research participants for the purpose of population health screening. Participant phenotype was not available at the time of variant classification. Additional details can be found in publication PMID: 35346344, PMCID: PMC8962531

GeneDx
Classification: Likely benign. Last evaluated: 2019-11-15. Review status: criteria provided, single submitter. Criteria: GeneDx Variant Classification Process June 2021. Collection method: clinical testing. Allele origin: germline. Affected: yes.

Color Diagnostics, LLC DBA Color Health
Classification: Likely benign for Hereditary cancer-predisposing syndrome. Last evaluated: 2016-11-17. Review status: criteria provided, single submitter. Criteria: ACMG Guidelines, 2015. Collection method: clinical testing. Allele origin: germline.